The following is an entry in ClinVar:

NM_177550.5(SLC13A5):c.1457A>G (p.Asn486Ser)

Gene: SLC13A5 (solute carrier family 13 member 5; minus strand). Cytogenetic location: 17p13.1.
Variant type: single nucleotide variant.
Coding change: c.1457A>G on transcript NM_177550.5 (MANE Select); coding-DNA position 1457, A replaced by G.
Protein change: p.Asn486Ser; replaces asparagine 486 with serine.
Molecular consequence: missense variant. On other transcripts: intron variant (1).
Genome position (GRCh38, 1-based): chr17:6,687,647, T>C on the plus strand (A>G on the coding strand, the complement: SLC13A5 is on the minus strand). VCF-style: chr17-6687647-T-C. GRCh37 (hg19) VCF-style: chr17-6590966-T-C.
Other names: c.1406A>G, p.Asn469Ser (NM_001284509.2); c.1328A>G, p.Asn443Ser (NM_001284510.2); c.1438-1309A>G (NM_001143838.3); short protein forms N486S, N469S, N443S.
Identifiers: ClinVar variation 2129251 (VCV002129251.4), dbSNP rs746077894, ClinGen allele CA8331363.

ClinVar aggregate classification (germline): Uncertain significance (1 of 4 stars; one submission).

Conditions:
Developmental and epileptic encephalopathy, 25 (DEE25). Also called: Epileptic encephalopathy, early infantile, 25, with amelogenesis imperfecta; Developmental and epileptic encephalopathy 25, with amelogenesis imperfecta; Epileptic encephalopathy, early infantile, 25. Identifiers: Orphanet 442835, MedGen C4014621, MONDO:0014392, OMIM 615905.

Allele frequency attached by ClinVar (database versions not stated): gnomAD exomes below 0.00001; ExAC 0.00001.
gnomAD v4.1: 2 of 1,606,176 alleles (0.00012%); highest among the groups gnomAD compares: South Asian, 0.0022%; no homozygotes.

Submission:

Labcorp Genetics (formerly Invitae), Labcorp
Classification: Uncertain significance for Developmental and epileptic encephalopathy, 25. Last evaluated: 2023-11-01. Review status: criteria provided, single submitter. Criteria: Invitae Variant Classification Sherloc (09022015). Collection method: clinical testing. Allele origin: germline.
Comment: This sequence change replaces asparagine, which is neutral and polar, with serine, which is neutral and polar, at codon 486 of the SLC13A5 protein (p.Asn486Ser). This variant is present in population databases (rs746077894, gnomAD 0.003%). This variant has not been reported in the literature in individuals affected with SLC13A5-related conditions. ClinVar contains an entry for this variant (Variation ID: 2129251). Advanced modeling of protein sequence and biophysical properties (such as structural, functional, and spatial information, amino acid conservation, physicochemical variation, residue mobility, and thermodynamic stability) performed at Invitae indicates that this missense variant is not expected to disrupt SLC13A5 protein function with a negative predictive value of 80%. In summary, the available evidence is currently insufficient to determine the role of this variant in disease. Therefore, it has been classified as a Variant of Uncertain Significance.